The following is an entry in ClinVar:

NM_000557.5(GDF5):c.1379C>T (p.Ser460Phe)

Genes: GDF5 (growth differentiation factor 5; minus strand), GDF5-AS1 (GDF5 antisense RNA 1; plus strand). Cytogenetic location: 20q11.22.
Variant type: single nucleotide variant.
Coding change: c.1379C>T on transcript NM_000557.5 (MANE Select); coding-DNA position 1379, C replaced by T.
Protein change: p.Ser460Phe; replaces serine 460 with phenylalanine.
Molecular consequence: missense variant. On other transcripts: non-coding transcript variant (1).
Genome position (GRCh38, 1-based): chr20:35,434,036, G>A on the plus strand (C>T on the coding strand, the complement: GDF5 is on the minus strand). VCF-style: chr20-35434036-G-A. GRCh37 (hg19) VCF-style: chr20-34021834-G-A.
Other names: c.1379C>T, p.Ser460Phe (NM_001319138.2); short protein forms S460F.
Identifiers: ClinVar variation 2211719 (VCV002211719.3), dbSNP rs969983573, ClinGen allele CA314131439.

ClinVar aggregate classification (germline): Uncertain significance. Review status: criteria provided, multiple submitters, no conflicts (2 of 4 stars). 2 submissions from 2 submitters: Uncertain significance (2). Last evaluated 2026-01-11.

Conditions:
Inborn genetic diseases. Identifiers: MedGen C0950123, MeSH D030342.

Allele frequency attached by ClinVar (database versions not stated): TOPMed 0.00002.
gnomAD v4.1: 1 of 1,614,176 alleles (0.000062%); highest among the groups gnomAD compares: Admixed American, 0.0017%; no homozygotes.

Submissions (2):

Labcorp Genetics (formerly Invitae), Labcorp
Classification: Uncertain significance. Last evaluated: 2026-01-11. Review status: criteria provided, single submitter. Criteria: Invitae Variant Classification Sherloc (09022015). Collection method: clinical testing. Allele origin: germline.
Comment: This sequence change replaces serine, which is neutral and polar, with phenylalanine, which is neutral and non-polar, at codon 460 of the GDF5 protein (p.Ser460Phe). This variant is present in population databases (no rsID available, gnomAD no frequency). This variant has not been reported in the literature in individuals affected with GDF5-related conditions. ClinVar contains an entry for this variant (Variation ID: 2211719). Invitae Evidence Modeling of protein sequence and biophysical properties (such as structural, functional, and spatial information, amino acid conservation, physicochemical variation, residue mobility, and thermodynamic stability) indicates that this missense variant is expected to disrupt GDF5 protein function with a positive predictive value of 80%. In summary, the available evidence is currently insufficient to determine the role of this variant in disease. Therefore, it has been classified as a Variant of Uncertain Significance.

Ambry Genetics
Classification: Uncertain significance for Inborn genetic diseases. Last evaluated: 2021-07-14. Review status: criteria provided, single submitter. Criteria: Ambry Variant Classification Scheme 2023. Collection method: clinical testing. Allele origin: germline.